The following is an entry in ClinVar:

NM_002294.3(LAMP2):c.1117G>A (p.Asp373Asn)

Gene: LAMP2 (lysosome associated membrane protein 2; minus strand). Cytogenetic location: Xq24.
Variant type: single nucleotide variant.
Coding change: c.1117G>A on transcript NM_002294.3 (MANE Select); coding-DNA position 1117, G replaced by A.
Protein change: p.Asp373Asn; replaces aspartic acid 373 with asparagine.
Molecular consequence: missense variant. On other transcripts: intron variant (1).
Genome position (GRCh38, 1-based): chrX:120,431,439, C>T on the plus strand (G>A on the coding strand, the complement: LAMP2 is on the minus strand). VCF-style: chrX-120431439-C-T. GRCh37 (hg19) VCF-style: chrX-119565294-C-T.
Other names: c.1094-2813G>A (NM_001122606.1); short protein forms D373N.
Identifiers: ClinVar variation 163806 (VCV000163806.6), dbSNP rs727503117, ClinGen allele CA176510.

ClinVar aggregate classification (germline): Uncertain significance. Review status: criteria provided, multiple submitters, no conflicts (2 of 4 stars). 2 submissions from 2 submitters: Uncertain significance (2). Last evaluated 2024-09-06.

Conditions:
Danon disease. Also called: PSEUDOGLYCOGENOSIS II; Glycogen Storage Disease Type IIb; ANTOPOL DISEASE; GSD IIb; LYSOSOMAL GLYCOGEN STORAGE DISEASE WITHOUT ACID MALTASE DEFICIENCY. Identifiers: Orphanet 34587, MedGen C0878677, MONDO:0010281, OMIM 300257.

gnomAD v4.1: 7 of 1,210,125 alleles (0.00058%); highest among the groups gnomAD compares: Non-Finnish European, 0.00078%; no homozygotes.

Submissions (2):

Labcorp Genetics (formerly Invitae), Labcorp
Classification: Uncertain significance for Danon disease. Last evaluated: 2024-09-06. Review status: criteria provided, single submitter. Criteria: Invitae Variant Classification Sherloc (09022015). Collection method: clinical testing. Allele origin: germline.
Comment: This sequence change replaces aspartic acid, which is acidic and polar, with asparagine, which is neutral and polar, at codon 373 of the LAMP2 protein (p.Asp373Asn). This variant is not present in population databases (gnomAD no frequency). This variant has not been reported in the literature in individuals affected with LAMP2-related conditions. ClinVar contains an entry for this variant (Variation ID: 163806). Invitae Evidence Modeling of protein sequence and biophysical properties (such as structural, functional, and spatial information, amino acid conservation, physicochemical variation, residue mobility, and thermodynamic stability) indicates that this missense variant is expected to disrupt LAMP2 protein function with a positive predictive value of 80%. In summary, the available evidence is currently insufficient to determine the role of this variant in disease. Therefore, it has been classified as a Variant of Uncertain Significance.

Laboratory for Molecular Medicine, Mass General Brigham Personalized Medicine
Classification: Uncertain significance. Last evaluated: 2013-09-20. Review status: criteria provided, single submitter. Criteria: LMM Criteria. Collection method: clinical testing. Allele origin: germline. Observed: 1 variant allele.
Comment: The Asp373Asn variant in LAMP2 has not been previously reported in individuals w ith cardiomyopathy or in large population studies. Computational analyses (bioch emical amino acid properties, conservation, AlignGVGD, PolyPhen2, and SIFT) do n ot provide strong support for or against an impact to the protein. Importantly, however, pathogenic missense variants are very rare in the LAMP2 gene (most dise ase causing variants cause a loss of function). Additional information is needed to fully assess the clinical significance of the Asp373Asn variant.